The following is an entry in ClinVar:

ClinVar aggregate classification (germline): Uncertain significance (1 of 4 stars; one submission).

Submission:

Labcorp Genetics (formerly Invitae), Labcorp
Classification: Uncertain significance. Last evaluated: 2025-03-17. Review status: criteria provided, single submitter. Criteria: Invitae Variant Classification Sherloc (09022015). Collection method: clinical testing. Allele origin: germline.
Comment: This sequence change replaces alanine, which is neutral and non-polar, with threonine, which is neutral and polar, at codon 704 of the POLE protein (p.Ala704Thr). This variant is not present in population databases (gnomAD no frequency). This variant has not been reported in the literature in individuals affected with POLE-related conditions. Invitae Evidence Modeling of protein sequence and biophysical properties (such as structural, functional, and spatial information, amino acid conservation, physicochemical variation, residue mobility, and thermodynamic stability) indicates that this missense variant is not expected to disrupt POLE protein function with a negative predictive value of 80%. In summary, the available evidence is currently insufficient to determine the role of this variant in disease. Therefore, it has been classified as a Variant of Uncertain Significance.

NM_006231.4(POLE):c.2110G>A (p.Ala704Thr)

Gene: POLE (DNA polymerase epsilon, catalytic subunit; minus strand). Cytogenetic location: 12q24.33.
Variant type: single nucleotide variant.
Coding change: c.2110G>A on transcript NM_006231.4 (MANE Select); coding-DNA position 2110, G replaced by A.
Protein change: p.Ala704Thr; replaces alanine 704 with threonine.
Molecular consequence: missense variant.
Genome position (GRCh38, 1-based): chr12:132,668,419, C>T on the plus strand (G>A on the coding strand, the complement: POLE is on the minus strand). VCF-style: chr12-132668419-C-T. GRCh37 (hg19) VCF-style: chr12-133245005-C-T.
Other names: short protein forms A704T.
Identifiers: ClinVar variation 4769984 (VCV004769984.1).
Genomic context (GRCh38, chr12:132,668,419, plus strand): 5'-CCAGCCTTCTCTTCTCGTATTTCGCCTGTTCCTCGCGGGACAGTTCATGAAAGGCCCGAG[C>T]TGGCCCCTCTGGGAACAAGGGGGGGAACTTCTCTGACTCCAGCTGGTGCTGGATCCGATG-3'
Protein context (NP_006222.2, residues 694-714): KFPPLFPEGP[Ala704Thr]RAFHELSREE